The following is an entry in ClinVar:

ClinVar aggregate classification (germline): Likely benign (1 of 4 stars; one submission).

Conditions:
FXR1-related condition.

Submission:

PreventionGenetics, part of Exact Sciences
Classification: Likely benign for FXR1-related condition. Last evaluated: 2025-03-12. Review status: criteria provided, single submitter. Criteria: ACMG Guidelines, 2015. Collection method: clinical testing. Allele origin: germline.
Comment: This variant is classified as likely benign based on ACMG/AMP sequence variant interpretation guidelines (Richards et al. 2015 PMID: 25741868, with internal and published modifications).

NM_005087.4(FXR1):c.991-7dup

Gene: FXR1 (FMR1 autosomal homolog 1; plus strand). Cytogenetic location: 3q26.33.
Variant type: Duplication.
Coding change: c.991-7dup on transcript NM_005087.4 (MANE Select); 7 bases into the intron before coding-DNA position 991, one base duplicated (T; older notation c.991-7dupT).
Molecular consequence: intron variant.
Genome position (GRCh38, 1-based): chr3:180,961,461, T duplicated; the last of 14 consecutive T bases (chr3:180,961,448-180,961,461); duplicating any one gives the same sequence. VCF-style (leftmost placement, unchanged base first): chr3-180961447-C-CT. GRCh37 (hg19) VCF-style: chr3-180679235-C-CT.
Other names: c.736-7dup (NM_001013439.3, NM_001363882.1); c.991-7dup (NM_001441509.1, NM_001441513.1, NM_001441510.1 and 3 more transcripts); c.844-7dup (NM_001441515.1).
Identifiers: ClinVar variation 4984363 (VCV004984363.1).